The following is an entry in ClinVar:

NM_006662.3(SRCAP):c.3893-19G>C

Gene: SRCAP (Snf2 related CREBBP activator protein; plus strand). Cytogenetic location: 16p11.2.
Variant type: single nucleotide variant.
Coding change: c.3893-19G>C on transcript NM_006662.3 (MANE Select); 19 bases into the intron before coding-DNA position 3893, G replaced by C.
Molecular consequence: intron variant.
Genome position (GRCh38, 1-based): chr16:30,722,944, G>C. VCF-style: chr16-30722944-G-C. GRCh37 (hg19) VCF-style: chr16-30734265-G-C.
Identifiers: ClinVar variation 3698345 (VCV003698345.2).
Genomic context (GRCh38, chr16:30,722,944, plus strand): 5'-TCCTGCCCCTGGACTTCTTCCATTCTTTGGGTCTTTTGTTTCTTTTCTACCTTCCTCTCA[G>C]TGTAGCTTCCTCTTGCAGTGCCACCAACCATGGTGAATAATACAGGCGTGGTGAAGATTG-3'

ClinVar aggregate classification (germline): Uncertain significance (1 of 4 stars; one submission).

Submission:

Labcorp Genetics (formerly Invitae), Labcorp
Classification: Uncertain significance. Last evaluated: 2024-04-25. Review status: criteria provided, single submitter. Criteria: Invitae Variant Classification Sherloc (09022015). Collection method: clinical testing. Allele origin: germline.
Comment: This sequence change falls in intron 23 of the SRCAP gene. It does not directly change the encoded amino acid sequence of the SRCAP protein. This variant is present in population databases (no rsID available, gnomAD 0.02%). This variant has not been reported in the literature in individuals affected with SRCAP-related conditions. Algorithms developed to predict the effect of sequence changes on RNA splicing suggest that this variant may create or strengthen a splice site. In summary, the available evidence is currently insufficient to determine the role of this variant in disease. Therefore, it has been classified as a Variant of Uncertain Significance.